The following is an entry in ClinVar:

NM_001128228.3(TPRN):c.116C>T (p.Pro39Leu)

Genes: TPRN (taperin; minus strand), LOC130003093 (ATAC-STARR-seq lymphoblastoid silent region 20590; plus strand). Cytogenetic location: 9q34.3.
Variant type: single nucleotide variant.
Coding change: c.116C>T on transcript NM_001128228.3 (MANE Select); coding-DNA position 116, C replaced by T.
Protein change: p.Pro39Leu; replaces proline 39 with leucine.
Molecular consequence: missense variant.
Genome position (GRCh38, 1-based): chr9:137,200,596, G>A on the plus strand (C>T on the coding strand, the complement: TPRN is on the minus strand). VCF-style: chr9-137200596-G-A. GRCh37 (hg19) VCF-style: chr9-140095048-G-A.
Other names: p.Pro39Leu; short protein forms P39L.
Identifiers: ClinVar variation 1423514 (VCV001423514.10), dbSNP rs893353042, ClinGen allele CA201721472.
Genomic context (GRCh38, chr9:137,200,596, plus strand): 5'-TTCTCGCGCAGCGGGCCCAGGCTCTCGGCCAGCACCCGCTGCTCGGGCTCCGCCGCCCCG[G>A]GCCCCGCGCCCCCGCCCAGCGCGGCTAGCTTGGCCCGCTTCCGCTCCAGGATCTCACGCT-3'
Protein context (NP_001121700.2, residues 29-49): KLAALGGGAG[Pro39Leu]GAAEPEQRVL

ClinVar aggregate classification (germline): Uncertain significance. Review status: criteria provided, multiple submitters, no conflicts (2 of 4 stars). 4 submissions from 4 submitters: Uncertain significance (4). Last evaluated 2025-02-04.

Conditions:
Inborn genetic diseases. Identifiers: MedGen C0950123, MeSH D030342.

Allele frequency attached by ClinVar (database versions not stated): TOPMed 0.00039; gnomAD 0.00047 and 0.00050; gnomAD exomes 0.00074.
gnomAD v4.1: 801 of 1,156,230 alleles (0.069%); highest among the groups gnomAD compares: Non-Finnish European, 0.082%; 1 homozygote.

Submissions (4):

GeneDx
Classification: Uncertain significance. Last evaluated: 2025-02-04. Review status: criteria provided, single submitter. Criteria: GeneDx Variant Classification Process June 2021. Collection method: clinical testing. Allele origin: germline. Affected: yes.
Comment: In silico analysis indicates that this missense variant does not alter protein structure/function; Has not been previously published as pathogenic or benign to our knowledge

Ambry Genetics
Classification: Uncertain significance for Inborn genetic diseases. Last evaluated: 2024-09-08. Review status: criteria provided, single submitter. Criteria: Ambry Variant Classification Scheme 2023. Collection method: clinical testing. Allele origin: germline.

Mayo Clinic Laboratories, Mayo Clinic
Classification: Uncertain significance. Last evaluated: 2022-09-16. Review status: criteria provided, single submitter. Criteria: ACMG Guidelines, 2015. Collection method: clinical testing. Allele origin: germline. Observed: 1 variant allele.
Comment: BP4, PM2

Labcorp Genetics (formerly Invitae), Labcorp
Classification: Uncertain significance. Last evaluated: 2022-06-27. Review status: criteria provided, single submitter. Criteria: Invitae Variant Classification Sherloc (09022015). Collection method: clinical testing. Allele origin: germline.
Comment: In summary, the available evidence is currently insufficient to determine the role of this variant in disease. Therefore, it has been classified as a Variant of Uncertain Significance. Algorithms developed to predict the effect of missense changes on protein structure and function output the following: SIFT: "Tolerated"; PolyPhen-2: "Probably Damaging"; Align-GVGD: "Class C0". The leucine amino acid residue is found in multiple mammalian species, which suggests that this missense change does not adversely affect protein function. This variant has not been reported in the literature in individuals affected with TPRN-related conditions. This variant is present in population databases (no rsID available, gnomAD 0.04%). This sequence change replaces proline, which is neutral and non-polar, with leucine, which is neutral and non-polar, at codon 39 of the TPRN protein (p.Pro39Leu).